The following is an entry in ClinVar:

ClinVar aggregate classification (germline): Pathogenic (1 of 4 stars; one submission).

Allele frequency attached by ClinVar (database versions not stated): TOPMed 0.00001; gnomAD 0.00003.
gnomAD v4.1: 4 of 1,614,016 alleles (0.00025%); highest among the groups gnomAD compares: African/African-American, 0.0053%; no homozygotes.

Submission:

Labcorp Genetics (formerly Invitae), Labcorp
Classification: Pathogenic. Last evaluated: 2023-07-01. Review status: criteria provided, single submitter. Criteria: Invitae Variant Classification Sherloc (09022015). Collection method: clinical testing. Allele origin: germline.
Comment: This variant is not present in population databases (gnomAD no frequency). For these reasons, this variant has been classified as Pathogenic. This variant has not been reported in the literature in individuals affected with PCNT-related conditions. This sequence change creates a premature translational stop signal (p.Ser2878*) in the PCNT gene. It is expected to result in an absent or disrupted protein product. Loss-of-function variants in PCNT are known to be pathogenic (PMID: 18174396, 22821869).

Literature cited by the submitters: PubMed 18174396; PubMed 22821869.

NM_006031.6(PCNT):c.8633C>G (p.Ser2878Ter)

Gene: PCNT (pericentrin; plus strand). Cytogenetic location: 21q22.3.
Variant type: single nucleotide variant.
Coding change: c.8633C>G on transcript NM_006031.6 (MANE Select); coding-DNA position 8633, C replaced by G.
Protein change: p.Ser2878Ter; replaces serine 2878 with a stop codon.
Molecular consequence: nonsense. On other transcripts: intron variant (1).
Genome position (GRCh38, 1-based): chr21:46,432,097, C>G. VCF-style: chr21-46432097-C-G. GRCh37 (hg19) VCF-style: chr21-47852011-C-G.
Other names: c.8160+119C>G (NM_001315529.2); short protein forms S2878*.
Identifiers: ClinVar variation 2878840 (VCV002878840.3), dbSNP rs897174401, ClinGen allele CA322017037.